The following is an entry in ClinVar:

NM_017780.4(CHD7):c.5646C>T (p.Ser1882=)

Gene: CHD7 (chromodomain helicase DNA binding protein 7; plus strand). Cytogenetic location: 8q12.2.
Variant type: single nucleotide variant.
Coding change: c.5646C>T on transcript NM_017780.4 (MANE Select); coding-DNA position 5646, C replaced by T.
Protein change: p.Ser1882=; no amino-acid change (serine 1882 retained).
Molecular consequence: synonymous variant. On other transcripts: intron variant (1).
Genome position (GRCh38, 1-based): chr8:60,851,300, C>T. VCF-style: chr8-60851300-C-T. GRCh37 (hg19) VCF-style: chr8-61763859-C-T.
Other names: c.1717-10929C>T (NM_001316690.1).
Identifiers: ClinVar variation 4999286 (VCV004999286.1).

ClinVar aggregate classification (germline): Likely benign (1 of 4 stars; one submission).

Conditions:
CHD7-related disorder. Also called: CHD7-related condition.

Submission:

PreventionGenetics, part of Exact Sciences
Classification: Likely benign for CHD7-related condition. Last evaluated: 2025-06-16. Review status: criteria provided, single submitter. Criteria: ACMG Guidelines, 2015. Collection method: clinical testing. Allele origin: germline.
Comment: This variant is classified as likely benign based on ACMG/AMP sequence variant interpretation guidelines (Richards et al. 2015 PMID: 25741868, with internal and published modifications).